The following is an entry in ClinVar:

ClinVar aggregate classification (germline): Uncertain significance (1 of 4 stars; one submission).

Conditions:
Hereditary cancer-predisposing syndrome. Also called: Neoplastic Syndromes, Hereditary; Tumor predisposition; Hereditary neoplastic syndrome; Hereditary Cancer Syndrome. Identifiers: Orphanet 140162, MedGen C0027672, MeSH D009386, MONDO:0015356.

Submission:

Ambry Genetics
Classification: Uncertain significance for Hereditary cancer-predisposing syndrome. Last evaluated: 2026-07-06. Review status: criteria provided, single submitter. Criteria: Ambry Variant Classification Scheme 2023. Collection method: clinical testing. Allele origin: germline.
Comment: The p.A86G variant (also known as c.257C>G), located in coding exon 3 of the TSC2 gene, results from a C to G substitution at nucleotide position 257. The alanine at codon 86 is replaced by glycine, an amino acid with similar properties. This amino acid position is conserved. In addition, this alteration is predicted to be tolerated by in silico analysis. Based on the available evidence, the clinical significance of this variant remains unclear.

NM_000548.5(TSC2):c.257C>G (p.Ala86Gly)

Gene: TSC2 (TSC complex subunit 2; plus strand). Cytogenetic location: 16p13.3.
Variant type: single nucleotide variant.
Coding change: c.257C>G on transcript NM_000548.5 (MANE Select); coding-DNA position 257, C replaced by G.
Protein change: p.Ala86Gly; replaces alanine 86 with glycine.
Molecular consequence: missense variant. On other transcripts: 5 prime UTR variant (14), non-coding transcript variant (5), intron variant (9).
Genome position (GRCh38, 1-based): chr16:2,053,373, C>G. VCF-style: chr16-2053373-C-G. GRCh37 (hg19) VCF-style: chr16-2103374-C-G.
Other names: c.257C>G, p.Ala86Gly (NM_001077183.3, NM_001114382.3, NM_001363528.2 and 10 more transcripts); c.110C>G, p.Ala37Gly (NM_001318829.2, NM_001406675.1, NM_001406676.1 and 2 more transcripts); c.290C>G, p.Ala97Gly (NM_001318832.2); c.-560C>G (NM_001406680.1, NM_001406683.1, NM_001406687.1); c.-189C>G (NM_001406681.1); c.-1175C>G (NM_001406689.1, NM_001406690.1, NM_001406691.1 and 2 more transcripts); c.-1481C>G (NM_001406693.1); c.-1056C>G (NM_001406694.1, NM_001406695.1); and 4 more; short protein forms A97G, A37G, A86G.
Identifiers: ClinVar variation 5031331 (VCV005031331.1).